The following is an entry in ClinVar:

ClinVar aggregate classification (germline): Uncertain significance. Review status: criteria provided, multiple submitters, no conflicts (2 of 4 stars). 3 submissions from 3 submitters: Uncertain significance (3). Last evaluated 2025-08-29.

Conditions:
Hyper-IgM syndrome type 5 (HIGM5). Also called: Hyper-IgM Immunodeficiency Syndrome, Type 5. Identifiers: Orphanet 101092, MedGen C1720958, MONDO:0011971, OMIM 608106.

Allele frequency attached by ClinVar (database versions not stated): gnomAD 0.00001; gnomAD exomes 0.00001; TOPMed 0.00001.
gnomAD v4.1: 12 of 1,613,786 alleles (0.00074%); highest among the groups gnomAD compares: Non-Finnish European, 0.001%; no homozygotes.

Submissions (3):

Ambry Genetics
Classification: Uncertain significance. Last evaluated: 2025-08-29. Review status: criteria provided, single submitter. Criteria: Ambry Variant Classification Scheme 2023. Collection method: clinical testing. Allele origin: germline.

Fulgent Genetics
Classification: Uncertain significance for Hyper-IgM syndrome type 5. Last evaluated: 2021-11-05. Review status: criteria provided, single submitter. Criteria: ACMG Guidelines, 2015. Collection method: clinical testing. Allele origin: unknown.

Labcorp Genetics (formerly Invitae), Labcorp
Classification: Uncertain significance for Hyper-IgM syndrome type 5. Last evaluated: 2021-08-28. Review status: criteria provided, single submitter. Criteria: Invitae Variant Classification Sherloc (09022015). Collection method: clinical testing. Allele origin: germline.
Comment: This sequence change replaces histidine with arginine at codon 124 of the UNG protein (p.His124Arg). The histidine residue is moderately conserved and there is a small physicochemical difference between histidine and arginine. This variant is not present in population databases (ExAC no frequency). This variant has not been reported in the literature in individuals affected with UNG-related conditions. Algorithms developed to predict the effect of missense changes on protein structure and function output the following: SIFT: "Tolerated"; PolyPhen-2: "Benign"; Align-GVGD: "Class C0". The arginine amino acid residue is found in multiple mammalian species, which suggests that this missense change does not adversely affect protein function. In summary, the available evidence is currently insufficient to determine the role of this variant in disease. Therefore, it has been classified as a Variant of Uncertain Significance.

NM_080911.3(UNG):c.371A>G (p.His124Arg)

Gene: UNG (uracil DNA glycosylase; plus strand). Cytogenetic location: 12q24.11.
Variant type: single nucleotide variant.
Coding change: c.371A>G on transcript NM_080911.3 (MANE Select); coding-DNA position 371, A replaced by G.
Protein change: p.His124Arg; replaces histidine 124 with arginine.
Molecular consequence: missense variant.
Genome position (GRCh38, 1-based): chr12:109,099,220, A>G. VCF-style: chr12-109099220-A-G. GRCh37 (hg19) VCF-style: chr12-109537025-A-G.
Other names: c.344A>G, p.His115Arg (NM_003362.4); c.371A>G (NM_080911.2); short protein forms H115R, H124R.
Identifiers: ClinVar variation 1388753 (VCV001388753.7), dbSNP rs1035623046, ClinGen allele CA243394719.
Genomic context (GRCh38, chr12:109,099,220, plus strand): 5'-ATTTTAAGTCTAGTTTATCTTTAAATCAGCTAATGGGATTTGTTGCAGAAGAAAGAAAGC[A>G]TTACACTGTTTATCCACCCCCACACCAAGTCTTCACCTGGACCCAGATGTGTGACATAAA-3'
Protein context (NP_550433.1, residues 114-134): LMGFVAEERK[His124Arg]YTVYPPPHQV